The following is an entry in ClinVar:

ClinVar aggregate classification (germline): Uncertain significance (1 of 4 stars; one submission).

Submission:

Labcorp Genetics (formerly Invitae), Labcorp
Classification: Uncertain significance. Last evaluated: 2025-02-28. Review status: criteria provided, single submitter. Criteria: Invitae Variant Classification Sherloc (09022015). Collection method: clinical testing. Allele origin: germline.
Comment: This sequence change replaces asparagine, which is neutral and polar, with histidine, which is basic and polar, at codon 347 of the IL12RB2 protein (p.Asn347His). This variant is not present in population databases (gnomAD no frequency). This variant has not been reported in the literature in individuals affected with IL12RB2-related conditions. An algorithm developed to predict the effect of missense changes on protein structure and function (PolyPhen-2) suggests that this variant is likely to be tolerated. In summary, the available evidence is currently insufficient to determine the role of this variant in disease. Therefore, it has been classified as a Variant of Uncertain Significance.

NM_001374259.2(IL12RB2):c.1039A>C (p.Asn347His)

Gene: IL12RB2 (interleukin 12 receptor subunit beta 2; plus strand). Cytogenetic location: 1p31.3.
Variant type: single nucleotide variant.
Coding change: c.1039A>C on transcript NM_001374259.2 (MANE Select); coding-DNA position 1039, A replaced by C.
Protein change: p.Asn347His; replaces asparagine 347 with histidine.
Molecular consequence: missense variant. On other transcripts: non-coding transcript variant (2).
Genome position (GRCh38, 1-based): chr1:67,350,870, A>C. VCF-style: chr1-67350870-A-C. GRCh37 (hg19) VCF-style: chr1-67816553-A-C.
Other names: c.1039A>C, p.Asn347His (NM_001258214.1, NM_001258215.1, NM_001258216.1 and 2 more transcripts); short protein forms N347H.
Identifiers: ClinVar variation 4804746 (VCV004804746.1).